The following is an entry in ClinVar:

ClinVar aggregate classification (germline): Benign. Review status: criteria provided, multiple submitters, no conflicts (2 of 4 stars). 2 submissions from 2 submitters: Benign (2). Last evaluated 2018-01-12.

Conditions:
Dilated cardiomyopathy 3B (CMD3B). Also called: CMD3B: DMD-Related Dilated Cardiomyopathy; CARDIOMYOPATHY, DILATED, X-LINKED; DMD-Associated Dilated Cardiomyopathy. Identifiers: Orphanet 154, MedGen C3668940, MONDO:0010542, OMIM 302045.

Allele frequency attached by ClinVar (database versions not stated): gnomAD exomes 0.00337; gnomAD 0.02227 and 0.02539; TOPMed 0.02677; 1000 Genomes Project 30x 0.07201; 1000 Genomes Project 0.07470.
gnomAD v4.1: 2,794 of 111,003 alleles (2.5%); highest among the groups gnomAD compares: South Asian, 13%; 68 homozygotes.

Submissions (2):

Illumina Laboratory Services, Illumina
Classification: Benign for Dilated cardiomyopathy 3B. Last evaluated: 2018-01-12. Review status: criteria provided, single submitter. Criteria: ICSL Variant Classification Criteria 13 December 2019. Collection method: clinical testing. Allele origin: germline.
Comment: This variant was observed in the ICSL laboratory as part of a predisposition screen in an ostensibly healthy population. It had not been previously curated by ICSL or reported in the Human Gene Mutation Database (HGMD: prior to June 1st, 2018), and was therefore a candidate for classification through an automated scoring system. Utilizing variant allele frequency, disease prevalence and penetrance estimates, and inheritance mode, an automated score was calculated to assess if this variant is too frequent to cause the disease. Based on the score and internal cut-off values, a variant classified as benign is not then subjected to further curation. The score for this variant resulted in a classification of benign for this disease.

Breakthrough Genomics
Classification: Benign. Review status: criteria provided, single submitter. Criteria: ACMG Guidelines, 2015. Collection method: not provided. Allele origin: germline. Inheritance: X-linked inheritance. Affected: yes.

NM_004006.3(DMD):c.*1783A>G

Gene: DMD (dystrophin; minus strand). Cytogenetic location: Xp21.2.
Variant type: single nucleotide variant.
Coding change: c.*1783A>G on transcript NM_004006.3 (MANE Select); 1783 bases downstream of the stop codon, A replaced by G.
Molecular consequence: 3 prime UTR variant.
Genome position (GRCh38, 1-based): chrX:31,120,136, T>C on the plus strand (A>G on the coding strand, the complement: DMD is on the minus strand). VCF-style: chrX-31120136-T-C. GRCh37 (hg19) VCF-style: chrX-31138253-T-C.
Other names: c.*1783A>G (NM_000109.4, NM_004009.3, NM_004010.3 and 7 more transcripts); c.*1697A>G (NM_004016.3, NM_004018.3, NM_004021.3 and 2 more transcripts).
Identifiers: ClinVar variation 368205 (VCV000368205.6), dbSNP rs7886658, ClinGen allele CA10653890.
Genomic context (GRCh38, chrX:31,120,136, plus strand): 5'-CAGCCCACTCTCCAAAAGCTAATTACACTTGATGTCAGAGGTAACAGATTTGCAAAATTA[T>C]AGGTCACACGGTGGTATCTATTGAATGAATGATTTAAAAATCAAAAAGAAATAAAATGGC-3'